The following is an entry in ClinVar:

NM_002317.7(LOX):c.473G>A (p.Arg158Gln)

Genes: LOX (lysyl oxidase; minus strand), SRFBP1 (serum response factor binding protein 1; plus strand). Cytogenetic location: 5q23.1.
Variant type: single nucleotide variant.
Coding change: c.473G>A on transcript NM_002317.7 (MANE Select); coding-DNA position 473, G replaced by A.
Protein change: p.Arg158Gln; replaces arginine 158 with glutamine.
Molecular consequence: missense variant.
Genome position (GRCh38, 1-based): chr5:122,077,513, C>T on the plus strand (G>A on the coding strand, the complement: LOX is on the minus strand). VCF-style: chr5-122077513-C-T. GRCh37 (hg19) VCF-style: chr5-121413208-C-T.
Other names: short protein forms R158Q.
Identifiers: ClinVar variation 14363 (VCV000014363.17), dbSNP rs1800449, ClinGen allele CA123899.
Genomic context (GRCh38, chr5:122,077,513, plus strand): 5'-GAGTACTTGTAGGGGTTGTAAGGGTCGTCGCCCACCATGCCGTCCACGCGGCTGGGCGGC[C>T]GCAGGTTACTGAGCGCAGGAACTTCTCCCGGCGCTGTCTGGTTCTCCGCGCGCGAGGCGC-3'
Protein context (NP_002308.2, residues 148-168): PGEVPALSNL[Arg158Gln]PPSRVDGMVG

ClinVar aggregate classification (germline): Benign. Review status: criteria provided, multiple submitters, no conflicts (2 of 4 stars). 8 submissions from 8 submitters: Benign (7). 1 of the submissions does not count toward it. Last evaluated 2026-02-04.

Conditions:
Cardiovascular phenotype. Identifiers: MedGen CN230736.
Familial thoracic aortic aneurysm and aortic dissection (TAAD). Also called: Thoracic aortic aneurysms and dissections. Identifiers: Orphanet 91387, MedGen C4707243, MONDO:0019625.
LOX POLYMORPHISM.

Allele frequency attached by ClinVar (database versions not stated): 1000 Genomes Project 0.15675; 1000 Genomes Project 30x 0.15865; gnomAD 0.16973 and 0.16991; ExAC 0.17281; TOPMed 0.17683.
gnomAD v4.1: 274,671 of 1,613,690 alleles (17%); highest among the groups gnomAD compares: East Asian, 19%; 23,736 homozygotes.

Submissions (8):

Labcorp Genetics (formerly Invitae), Labcorp
Classification: Benign. Last evaluated: 2026-02-04. Review status: criteria provided, single submitter. Criteria: Invitae Variant Classification Sherloc (09022015). Collection method: clinical testing. Allele origin: germline.

Blueprint Genetics
Classification: Benign. Last evaluated: 2024-11-26. Review status: criteria provided, single submitter. Criteria: ACMG Guidelines, 2015. Collection method: clinical testing. Allele origin: germline.

Women's Health and Genetics/Laboratory Corporation of America, LabCorp
Classification: Benign. Last evaluated: 2023-04-04. Review status: criteria provided, single submitter. Criteria: LabCorp Variant Classification Summary - May 2015. Collection method: clinical testing. Allele origin: germline.
Comment: Variant summary: LOX c.473G>A (p.Arg158Gln) results in a conservative amino acid change in the encoded protein sequence. Five of five in-silico tools predict a benign effect of the variant on protein function. The variant allele was found at a frequency of 0.17 in 248724 control chromosomes in the gnomAD database, including 3752 homozygotes. The observed variant frequency exceeds the estimated maximal expected allele frequency for a pathogenic variant in LOX causing Aortopathy phenotype (1.7e-06), strongly suggesting that the variant is benign. To our knowledge, no penetrant association or occurrence of c.473G>A in individuals affected with Aortopathy has been reported. Three clinical diagnostic laboratories have submitted clinical-significance assessments for this variant to ClinVar after 2014 without evidence for independent evaluation. All laboratories classified the variant as benign. Based on the evidence outlined above, the variant was classified as benign.

Mayo Clinic Laboratories, Mayo Clinic
Classification: Benign. Last evaluated: 2023-01-05. Review status: criteria provided, single submitter. Criteria: ACMG Guidelines, 2015. Collection method: clinical testing. Allele origin: germline. Observed: 230 variant alleles.
Comment: BA1, BP4

CHEO Genetics Diagnostic Laboratory, Children's Hospital of Eastern Ontario
Classification: Benign for Familial thoracic aortic aneurysm and aortic dissection. Last evaluated: 2022-11-18. Review status: criteria provided, single submitter. Criteria: ACMG Guidelines, 2015. Collection method: clinical testing. Allele origin: germline.

Ambry Genetics
Classification: Benign for Cardiovascular phenotype. Last evaluated: 2018-12-04. Review status: criteria provided, single submitter. Criteria: Ambry Variant Classification Scheme 2023. Collection method: clinical testing. Allele origin: germline.

GeneDx
Classification: Benign. Last evaluated: 2018-09-21. Review status: criteria provided, single submitter. Criteria: GeneDx Variant Classification Process June 2021. Collection method: clinical testing. Allele origin: germline. Affected: yes.
Comment: This variant is associated with the following publications: (PMID: 28714974, 24502826, 22661479, 19654310, 20929399, 22911823)

OMIM
Classification: Benign for LOX POLYMORPHISM. Last evaluated: 1993-05-01. Review status: no assertion criteria provided. Collection method: literature only. Allele origin: germline. Not counted in ClinVar's aggregate classification.

Literature cited by the submitters: PubMed 22911823 (cited by Women's Health and Genetics/Laboratory Corporation of America, LabCorp); PubMed 23758270 (cited by Women's Health and Genetics/Laboratory Corporation of America, LabCorp); PubMed 21612403 (cited by Women's Health and Genetics/Laboratory Corporation of America, LabCorp); PubMed 20929399 (cited by Women's Health and Genetics/Laboratory Corporation of America, LabCorp); PubMed 22948781 (cited by Women's Health and Genetics/Laboratory Corporation of America, LabCorp); PubMed 22722997 (cited by Women's Health and Genetics/Laboratory Corporation of America, LabCorp); PubMed 8100215 (cited by OMIM).